The following is an entry in ClinVar:

ClinVar aggregate classification (germline): Conflicting classifications of pathogenicity. Review status: criteria provided, conflicting classifications (1 of 4 stars). 3 submissions from 3 submitters: Uncertain significance (2); Likely benign (1). Last evaluated 2026-01-12.

Conditions:
Inborn genetic diseases. Identifiers: MedGen C0950123, MeSH D030342.

Allele frequency attached by ClinVar (database versions not stated): gnomAD exomes 0.00005; ExAC 0.00006.
gnomAD v4.1: 41 of 1,614,058 alleles (0.0025%); highest among the groups gnomAD compares: Admixed American, 0.027%; no homozygotes.

Submissions (3):

Labcorp Genetics (formerly Invitae), Labcorp
Classification: Uncertain significance. Last evaluated: 2026-01-12. Review status: criteria provided, single submitter. Criteria: Invitae Variant Classification Sherloc (09022015). Collection method: clinical testing. Allele origin: germline.
Comment: This sequence change replaces arginine, which is basic and polar, with glutamine, which is neutral and polar, at codon 700 of the TNNI3K protein (p.Arg700Gln). This variant is present in population databases (rs202055411, gnomAD 0.03%). This variant has not been reported in the literature in individuals affected with TNNI3K-related conditions. ClinVar contains an entry for this variant (Variation ID: 1502606). An algorithm developed to predict the effect of missense changes on protein structure and function outputs the following: PolyPhen-2: "Benign". The glutamine amino acid residue is found in multiple mammalian species, which suggests that this missense change does not adversely affect protein function. In summary, the available evidence is currently insufficient to determine the role of this variant in disease. Therefore, it has been classified as a Variant of Uncertain Significance.

Ambry Genetics
Classification: Uncertain significance for Inborn genetic diseases. Last evaluated: 2025-09-04. Review status: criteria provided, single submitter. Criteria: Ambry Variant Classification Scheme 2023. Collection method: clinical testing. Allele origin: germline.

Blueprint Genetics
Classification: Likely benign. Last evaluated: 2024-01-18. Review status: criteria provided, single submitter. Criteria: ACMG Guidelines, 2015. Collection method: clinical testing. Allele origin: germline.

NM_015978.3(TNNI3K):c.2099G>A (p.Arg700Gln)

Genes: FPGT-TNNI3K (FPGT-TNNI3K readthrough; plus strand), TNNI3K (TNNI3 interacting kinase; plus strand). Cytogenetic location: 1p31.1.
Variant type: single nucleotide variant.
Coding change: c.2099G>A on transcript NM_015978.3 (MANE Select); coding-DNA position 2099, G replaced by A.
Protein change: p.Arg700Gln; replaces arginine 700 with glutamine.
Molecular consequence: missense variant.
Genome position (GRCh38, 1-based): chr1:74,463,528, G>A. VCF-style: chr1-74463528-G-A. GRCh37 (hg19) VCF-style: chr1-74929212-G-A.
Other names: c.2402G>A, p.Arg801Gln (NM_001112808.3, NM_001199327.2); c.2099G>A (NM_015978.2); short protein forms R801Q, R700Q.
Identifiers: ClinVar variation 1502606 (VCV001502606.8), dbSNP rs202055411, ClinGen allele CA909588.
Genomic context (GRCh38, chr1:74,463,528, plus strand): 5'-ACCACATCAGACCTCCCATTGGCTATTCCATTCCCAAGCCCATATCATCTCTGCTGATAC[G>A]AGGGTGGAACGCATGTCCTGAAGTGAGTAATTTTTATTTCCTCTTAGAAAATGTGTTATG-3'
Protein context (NP_057062.1, residues 690-710): IPKPISSLLI[Arg700Gln]GWNACPEGRP